The following is an entry in ClinVar:

NM_001845.6(COL4A1):c.2143_2149del (p.Arg715fs)

Gene: COL4A1 (collagen type IV alpha 1 chain; minus strand). Cytogenetic location: 13q34.
Variant type: Deletion.
Coding change: c.2143_2149del on transcript NM_001845.6 (MANE Select); coding-DNA positions 2143 to 2149, 7 bases deleted (CGCCCGG; older notation c.2143_2149delCGCCCGG).
Protein change: p.Arg715fs; shifts the reading frame from arginine 715.
Molecular consequence: frameshift variant.
Genome position (GRCh38, 1-based): chr13:110,181,336-110,181,342, CCGGGCG deleted on the plus strand (CGCCCGG on the coding strand, the reverse complement: COL4A1 is on the minus strand). VCF-style (leftmost placement, unchanged base first): chr13-110181335-CCCGGGCG-C. GRCh37 (hg19) VCF-style: chr13-110833682-CCCGGGCG-C.
Other names: c.2143_2149delCGCCCGG (NM_001845.6); short protein forms R715fs.
Identifiers: ClinVar variation 3725089 (VCV003725089.4).

ClinVar aggregate classification (germline): Pathogenic. Review status: criteria provided, multiple submitters, no conflicts (2 of 4 stars). 2 submissions from 2 submitters: Pathogenic (2). Last evaluated 2025-04-14.

Conditions:
Brain small vessel disease 1 with or without ocular anomalies (BSVD1). Also called: GOULD SYNDROME 1; Brain small vessel disease with or without ocular anomalies; BRAIN SMALL VESSEL DISEASE WITH HEMORRHAGE; PORENCEPHALY, TYPE 1, AUTOSOMAL DOMINANT. Identifiers: Orphanet 2940, Orphanet 36383, Orphanet 99810, MedGen C4755307, MONDO:0008289, OMIM 175780.

Submissions (2):

Women's Health and Genetics/Laboratory Corporation of America, LabCorp
Classification: Pathogenic for Brain small vessel disease 1 with or without ocular anomalies. Last evaluated: 2025-04-14. Review status: criteria provided, single submitter. Criteria: LabCorp Variant Classification Summary - May 2015. Collection method: clinical testing. Allele origin: germline.
Comment: Variant summary: COL4A1 c.2143_2149delCGCCCGG (p.Arg715AspfsX85) results in a premature termination codon, predicted to cause a truncation of the encoded protein or absence of the protein due to nonsense mediated decay, which are commonly known mechanisms for disease. The variant was absent in 251128 control chromosomes. To our knowledge, no occurrence of c.2143_2149delCGCCCGG in individuals affected with Porencephaly 1 and no experimental evidence demonstrating its impact on protein function have been reported. ClinVar contains an entry for this variant (Variation ID: 3725089). Based on the evidence outlined above, the variant was classified as pathogenic.

Labcorp Genetics (formerly Invitae), Labcorp
Classification: Pathogenic. Last evaluated: 2024-11-25. Review status: criteria provided, single submitter. Criteria: Invitae Variant Classification Sherloc (09022015). Collection method: clinical testing. Allele origin: germline.
Comment: This sequence change creates a premature translational stop signal (p.Arg715Aspfs*85) in the COL4A1 gene. It is expected to result in an absent or disrupted protein product. Loss-of-function variants in COL4A1 are known to be pathogenic (PMID: 23225343). This variant is not present in population databases (gnomAD no frequency). This variant has not been reported in the literature in individuals affected with COL4A1-related conditions. For these reasons, this variant has been classified as Pathogenic.

Literature cited by the submitters: PubMed 23225343 (cited by Labcorp Genetics (formerly Invitae), Labcorp).